The following is an entry in ClinVar:

NM_014423.4(AFF4):c.2045A>G (p.Glu682Gly)

Gene: AFF4 (ALF transcription elongation factor 4; minus strand). Cytogenetic location: 5q31.1.
Variant type: single nucleotide variant.
Coding change: c.2045A>G on transcript NM_014423.4 (MANE Select); coding-DNA position 2045, A replaced by G.
Protein change: p.Glu682Gly; replaces glutamic acid 682 with glycine.
Molecular consequence: missense variant.
Genome position (GRCh38, 1-based): chr5:132,896,585, T>C on the plus strand (A>G on the coding strand, the complement: AFF4 is on the minus strand). VCF-style: chr5-132896585-T-C. GRCh37 (hg19) VCF-style: chr5-132232277-T-C.
Other names: c.2045A>G (NM_014423.3); short protein forms E682G.
Identifiers: ClinVar variation 2043768 (VCV002043768.5), dbSNP rs1211755639, ClinGen allele CA360935282.

ClinVar aggregate classification (germline): Uncertain significance. Review status: criteria provided, multiple submitters, no conflicts (2 of 4 stars). 2 submissions from 2 submitters: Uncertain significance (2). Last evaluated 2025-08-05.

Conditions:
Cognitive impairment - coarse facies - heart defects - obesity - pulmonary involvement - short stature - skeletal dysplasia syndrome. Also called: Chops syndrome; AFF4-Related CHOPS Syndrome; COGNITIVE IMPAIRMENT, COARSE FACIES, HEART DEFECTS, OBESITY, PULMONARY INVOLVEMENT, SHORT STATURE, AND SKELETAL DYSPLASIA. Identifiers: Orphanet 444077, MedGen C4085597, MONDO:0014609, OMIM 616368.
Inborn genetic diseases. Identifiers: MedGen C0950123, MeSH D030342.

Allele frequency attached by ClinVar (database versions not stated): gnomAD exomes below 0.00001; TOPMed below 0.00001; gnomAD 0.00001.
gnomAD v4.1: 4 of 1,613,918 alleles (0.00025%); highest among the groups gnomAD compares: Non-Finnish European, 0.00034%; no homozygotes.

Submissions (2):

Ambry Genetics
Classification: Uncertain significance for Inborn genetic diseases. Last evaluated: 2025-08-05. Review status: criteria provided, single submitter. Criteria: Ambry Variant Classification Scheme 2023. Collection method: clinical testing. Allele origin: germline.

Labcorp Genetics (formerly Invitae), Labcorp
Classification: Uncertain significance for Cognitive impairment - coarse facies - heart defects - obesity - pulmonary involvement - short stature - skeletal dysplasia syndrome. Last evaluated: 2024-07-31. Review status: criteria provided, single submitter. Criteria: Invitae Variant Classification Sherloc (09022015). Collection method: clinical testing. Allele origin: germline.
Comment: This sequence change replaces glutamic acid, which is acidic and polar, with glycine, which is neutral and non-polar, at codon 682 of the AFF4 protein (p.Glu682Gly). This variant is not present in population databases (gnomAD no frequency). This variant has not been reported in the literature in individuals affected with AFF4-related conditions. ClinVar contains an entry for this variant (Variation ID: 2043768). Advanced modeling of protein sequence and biophysical properties (such as structural, functional, and spatial information, amino acid conservation, physicochemical variation, residue mobility, and thermodynamic stability) has been performed at Invitae for this missense variant, however the output from this modeling did not meet the statistical confidence thresholds required to predict the impact of this variant on AFF4 protein function. In summary, the available evidence is currently insufficient to determine the role of this variant in disease. Therefore, it has been classified as a Variant of Uncertain Significance.